The following is an entry in ClinVar:

ClinVar aggregate classification (germline): Benign. Review status: criteria provided, multiple submitters, no conflicts (2 of 4 stars). 6 submissions from 6 submitters: Benign (5). 1 of the submissions does not count toward it. Last evaluated 2026-02-03.

Conditions:
Inborn genetic diseases. Identifiers: MedGen C0950123, MeSH D030342.
Developmental and epileptic encephalopathy, 33 (DEE33). Also called: Epileptic encephalopathy, early infantile, 33. Identifiers: Orphanet 442835, MedGen C4225337, MONDO:0014625, OMIM 616409.
EEF1A2-related disorder. Also called: EEF1A2-related disorders; EEF1A2-related condition.

Allele frequency attached by ClinVar (database versions not stated): gnomAD 0.00219 and 0.00340; TOPMed 0.00229; ESP Exome Variant Server 0.00246; gnomAD exomes 0.00496 and 0.00679; ExAC 0.00737; 1000 Genomes Project 30x 0.01046; 1000 Genomes Project 0.01138.
gnomAD v4.1: 7,791 of 1,613,388 alleles (0.48%); highest among the groups gnomAD compares: South Asian, 3.3%; 90 homozygotes.

Submissions (6):

Labcorp Genetics (formerly Invitae), Labcorp
Classification: Benign for Developmental and epileptic encephalopathy, 33. Last evaluated: 2026-02-03. Review status: criteria provided, single submitter. Criteria: Invitae Variant Classification Sherloc (09022015). Collection method: clinical testing. Allele origin: germline.

Athena Diagnostics
Classification: Benign. Last evaluated: 2025-09-30. Review status: criteria provided, single submitter. Criteria: Athena Diagnostics Criteria. Collection method: clinical testing. Allele origin: unknown.
Comment: The frequency of this variant in the general population is higher than would generally be expected for pathogenic variants in this gene. Computational tools yielded predictions that this variant is unlikely to have an effect on normal RNA splicing. This nucleotide position exhibits low evolutionary conservation.

Ambry Genetics
Classification: Benign for Inborn genetic diseases. Last evaluated: 2016-05-15. Review status: criteria provided, single submitter. Criteria: Ambry Variant Classification Scheme 2023. Collection method: clinical testing. Allele origin: germline.

GeneDx
Classification: Benign. Last evaluated: 2016-03-04. Review status: criteria provided, single submitter. Criteria: GeneDx Variant Classification (06012015). Collection method: clinical testing. Allele origin: germline. Affected: yes.
Comment: This variant is considered likely benign or benign based on one or more of the following criteria: it is a conservative change, it occurs at a poorly conserved position in the protein, it is predicted to be benign by multiple in silico algorithms, and/or has population frequency not consistent with disease.

Breakthrough Genomics
Classification: Benign. Review status: criteria provided, single submitter. Criteria: ACMG Guidelines, 2015. Collection method: not provided. Allele origin: germline. Inheritance: Autosomal dominant inheritance. Affected: yes.

PreventionGenetics, part of Exact Sciences
Classification: Benign for EEF1A2-related condition. Last evaluated: 2019-07-29. Review status: no assertion criteria provided. Collection method: clinical testing. Allele origin: germline. Not counted in ClinVar's aggregate classification.
Comment: This variant is classified as benign based on ACMG/AMP sequence variant interpretation guidelines (Richards et al. 2015 PMID: 25741868, with internal and published modifications).

NM_001958.5(EEF1A2):c.237G>A (p.Lys79=)

Gene: EEF1A2 (eukaryotic translation elongation factor 1 alpha 2; minus strand). Cytogenetic location: 20q13.33.
Variant type: single nucleotide variant.
Coding change: c.237G>A on transcript NM_001958.5 (MANE Select); coding-DNA position 237, G replaced by A.
Protein change: p.Lys79=; no amino-acid change (lysine 79 retained).
Molecular consequence: synonymous variant.
Genome position (GRCh38, 1-based): chr20:63,495,943, C>T on the plus strand (G>A on the coding strand, the complement: EEF1A2 is on the minus strand). VCF-style: chr20-63495943-C-T. GRCh37 (hg19) VCF-style: chr20-62127296-C-T.
Identifiers: ClinVar variation 383878 (VCV000383878.20), dbSNP rs61737389, ClinGen allele CA9959156.